The following is an entry in ClinVar:

ClinVar aggregate classification (germline): Uncertain significance (1 of 4 stars; one submission).

Conditions:
Alstrom syndrome (ALMS). Identifiers: Orphanet 64, MedGen C0268425, MONDO:0008763, OMIM 203800.

Allele frequency attached by ClinVar (database versions not stated): gnomAD 0.00001.
gnomAD v4.1: 1 of 1,614,056 alleles (0.000062%); highest among the groups gnomAD compares: African/African-American, 0.0013%; no homozygotes.

Submission:

Labcorp Genetics (formerly Invitae), Labcorp
Classification: Uncertain significance for Alstrom syndrome. Last evaluated: 2022-04-17. Review status: criteria provided, single submitter. Criteria: Invitae Variant Classification Sherloc (09022015). Collection method: clinical testing. Allele origin: germline.
Comment: In summary, the available evidence is currently insufficient to determine the role of this variant in disease. Therefore, it has been classified as a Variant of Uncertain Significance. Experimental studies and prediction algorithms are not available or were not evaluated, and the functional significance of this variant is currently unknown. This variant has not been reported in the literature in individuals affected with ALMS1-related conditions. This variant is not present in population databases (gnomAD no frequency). This sequence change replaces proline, which is neutral and non-polar, with serine, which is neutral and polar, at codon 1081 of the ALMS1 protein (p.Pro1081Ser).

NM_001378454.1(ALMS1):c.3238C>T (p.Pro1080Ser)

Gene: ALMS1 (ALMS1 centrosome and basal body associated protein; plus strand). Cytogenetic location: 2p13.1.
Variant type: single nucleotide variant.
Coding change: c.3238C>T on transcript NM_001378454.1 (MANE Select); coding-DNA position 3238, C replaced by T.
Protein change: p.Pro1080Ser; replaces proline 1080 with serine.
Molecular consequence: missense variant.
Genome position (GRCh38, 1-based): chr2:73,449,765, C>T. VCF-style: chr2-73449765-C-T. GRCh37 (hg19) VCF-style: chr2-73676892-C-T.
Other names: c.3241C>T, p.Pro1081Ser (NM_015120.4); short protein forms P1081S, P1080S.
Identifiers: ClinVar variation 2085196 (VCV002085196.4), dbSNP rs1572933656, ClinGen allele CA347274451.